The following is an entry in ClinVar:

NM_001134673.4(NFIA):c.26A>G (p.Gln9Arg)

Gene: NFIA (nuclear factor I A; plus strand). Cytogenetic location: 1p31.3.
Variant type: single nucleotide variant.
Coding change: c.26A>G on transcript NM_001134673.4 (MANE Select); coding-DNA position 26, A replaced by G.
Protein change: p.Gln9Arg; replaces glutamine 9 with arginine.
Molecular consequence: missense variant. On other transcripts: intron variant (1).
Genome position (GRCh38, 1-based): chr1:61,082,817, A>G. VCF-style: chr1-61082817-A-G. GRCh37 (hg19) VCF-style: chr1-61548489-A-G.
Other names: c.161A>G, p.Gln54Arg (NM_001145512.2); c.26A>G, p.Gln9Arg (NM_005595.5); c.3+5189A>G (NM_001145511.2); short protein forms Q54R, Q9R.
Identifiers: ClinVar variation 2011003 (VCV002011003.4), dbSNP rs2524179778, ClinGen allele CA340586094.

ClinVar aggregate classification (germline): Uncertain significance (1 of 4 stars; one submission).

Submission:

Labcorp Genetics (formerly Invitae), Labcorp
Classification: Uncertain significance. Last evaluated: 2022-07-30. Review status: criteria provided, single submitter. Criteria: Invitae Variant Classification Sherloc (09022015). Collection method: clinical testing. Allele origin: germline.
Comment: In summary, the available evidence is currently insufficient to determine the role of this variant in disease. Therefore, it has been classified as a Variant of Uncertain Significance. Algorithms developed to predict the effect of missense changes on protein structure and function (SIFT, PolyPhen-2, Align-GVGD) all suggest that this variant is likely to be tolerated. This variant has not been reported in the literature in individuals affected with NFIA-related conditions. This variant is not present in population databases (gnomAD no frequency). This sequence change replaces glutamine, which is neutral and polar, with arginine, which is basic and polar, at codon 9 of the NFIA protein (p.Gln9Arg).